The following is an entry in ClinVar:

ClinVar aggregate classification (germline): Conflicting classifications of pathogenicity. Review status: criteria provided, conflicting classifications (1 of 4 stars). 5 submissions from 4 submitters: Uncertain significance (1); Likely benign (4). Last evaluated 2023-11-10.

Conditions:
MYH9-related disorder. Identifiers: MedGen C1854520.
Autosomal dominant nonsyndromic hearing loss 17. Also called: Deafness, autosomal dominant 17; Autosomal dominant nonsyndromic deafness 17. Identifiers: Orphanet 90635, MedGen C1863659, MONDO:0011350, OMIM 603622.

Allele frequency attached by ClinVar (database versions not stated): gnomAD 0.00002; ExAC 0.00003; gnomAD exomes 0.00003; TOPMed 0.00003; ESP Exome Variant Server 0.00008.
gnomAD v4.1: 43 of 1,613,924 alleles (0.0027%); highest among the groups gnomAD compares: African/African-American, 0.0053%; no homozygotes.

Submissions (5):

Labcorp Genetics (formerly Invitae), Labcorp
Classification: Likely benign. Last evaluated: 2023-11-10. Review status: criteria provided, single submitter. Criteria: Invitae Variant Classification Sherloc (09022015). Collection method: clinical testing. Allele origin: germline.

CeGaT Center for Human Genetics Tuebingen
Classification: Likely benign. Last evaluated: 2023-03-01. Review status: criteria provided, single submitter. Criteria: CeGaT Center For Human Genetics Tuebingen Variant Classification Criteria Version 2. Collection method: clinical testing. Allele origin: germline. Affected: yes. Observed: 1 variant allele.
Comment: MYH9: BP4, BP7

Illumina Laboratory Services, Illumina
Classification: Uncertain significance for Autosomal dominant nonsyndromic hearing loss 17. Last evaluated: 2017-04-27. Review status: criteria provided, single submitter. Criteria: ICSL Variant Classification Criteria 13 December 2019. Collection method: clinical testing. Allele origin: germline.

Illumina Laboratory Services, Illumina
Classification: Likely benign for MYH9-related disorder. Last evaluated: 2017-04-27. Review status: criteria provided, single submitter. Criteria: ICSL Variant Classification Criteria 13 December 2019. Collection method: clinical testing. Allele origin: germline.
Comment: This variant was observed as part of a predisposition screen in an ostensibly healthy population. A literature search was performed for the gene, cDNA change, and amino acid change (where applicable). No publications were found based on this search. Allele frequency data from public databases allowed determination this variant is unlikely to cause disease. Therefore, this variant is classified as likely benign.

Laboratory for Molecular Medicine, Mass General Brigham Personalized Medicine
Classification: Likely benign. Last evaluated: 2015-11-25. Review status: criteria provided, single submitter. Criteria: LMM Criteria. Collection method: clinical testing. Allele origin: germline. Observed: 1 variant allele.
Comment: p.Ala574Ala in exon 14 of MYH9: This variant is not expected to have clinical si gnificance because it does not alter an amino acid residue and is not located wi thin the splice consensus sequence. It has been identified in 2/66720 European c hromosomes and in 2/11578 Latino chromosomes by the Exome Aggregation Consortium (ExAC; dbSNP rs373381680).

NM_002473.6(MYH9):c.1722C>T (p.Ala574=)

Gene: MYH9 (myosin heavy chain 9; minus strand). Cytogenetic location: 22q12.3.
Variant type: single nucleotide variant.
Coding change: c.1722C>T on transcript NM_002473.6 (MANE Select); coding-DNA position 1722, C replaced by T.
Protein change: p.Ala574=; no amino-acid change (alanine 574 retained).
Molecular consequence: synonymous variant.
Genome position (GRCh38, 1-based): chr22:36,312,055, G>A on the plus strand (C>T on the coding strand, the complement: MYH9 is on the minus strand). VCF-style: chr22-36312055-G-A. GRCh37 (hg19) VCF-style: chr22-36708100-G-A.
Identifiers: ClinVar variation 227602 (VCV000227602.36), dbSNP rs373381680, ClinGen allele CA10210228.